The following is an entry in ClinVar:

NM_001356.5(DDX3X):c.676dup (p.Thr226fs)

Gene: DDX3X (DEAD-box helicase 3 X-linked; plus strand). Cytogenetic location: Xp11.4.
Variant type: Duplication.
Coding change: c.676dup on transcript NM_001356.5 (MANE Select); coding-DNA position 676, one base duplicated (A; older notation c.676dupA).
Protein change: p.Thr226fs; shifts the reading frame from threonine 226.
Molecular consequence: frameshift variant. On other transcripts: non-coding transcript variant (1).
Genome position (GRCh38, 1-based): chrX:41,343,348, A duplicated; the last of 3 consecutive A bases (chrX:41,343,346-41,343,348); duplicating any one gives the same sequence. VCF-style (leftmost placement, unchanged base first): chrX-41343345-C-CA. GRCh37 (hg19) VCF-style: chrX-41202598-C-CA.
Other names: c.676dup, p.Thr226fs (NM_001193416.3); c.628dup, p.Thr210fs (NM_001193417.3); c.118dup, p.Thr40fs (NM_001363819.1); short protein forms T210fs, T226fs, T40fs.
Identifiers: ClinVar variation 3901212 (VCV003901212.1).

ClinVar aggregate classification (germline): Pathogenic (1 of 4 stars; one submission).

Conditions:
Intellectual disability, X-linked 102 (MRXSSB). Also called: Intellectual developmental disorder, X-linked syndromic, Snijders Blok type. Identifiers: Orphanet 457260, MedGen C5393299, MONDO:0010497, OMIM 300958.

Submission:

Institute of Human Genetics, University of Leipzig Medical Center
Classification: Pathogenic for Intellectual disability, X-linked 102. Last evaluated: 2025-04-15. Review status: criteria provided, single submitter. Criteria: ACMG Guidelines, 2015. Collection method: clinical testing. Allele origin: unknown. Inheritance: Autosomal dominant inheritance. Affected: yes.
Comment: Criteria applied: PVS1,PM2